The following is an entry in ClinVar:

ClinVar aggregate classification (germline): Uncertain significance (1 of 4 stars; one submission).

Conditions:
DICER1-related tumor predisposition. Also called: DICER1 syndrome; DICER1-related pleuropulmonary blastoma cancer predisposition syndrome. Identifiers: Orphanet 284343, MedGen C3839822, MONDO:0100216.

Allele frequency attached by ClinVar (database versions not stated): gnomAD exomes below 0.00001.
gnomAD v4.1: 2 of 1,614,078 alleles (0.00012%); highest among the groups gnomAD compares: Non-Finnish European, 0.00017%; no homozygotes.

Submission:

Labcorp Genetics (formerly Invitae), Labcorp
Classification: Uncertain significance for DICER1-related tumor predisposition. Last evaluated: 2025-05-19. Review status: criteria provided, single submitter. Criteria: Invitae Variant Classification Sherloc (09022015). Collection method: clinical testing. Allele origin: germline.
Comment: This sequence change replaces threonine, which is neutral and polar, with isoleucine, which is neutral and non-polar, at codon 870 of the DICER1 protein (p.Thr870Ile). This variant is not present in population databases (gnomAD no frequency). This variant has not been reported in the literature in individuals affected with DICER1-related conditions. ClinVar contains an entry for this variant (Variation ID: 1925370). Invitae Evidence Modeling of protein sequence and biophysical properties (such as structural, functional, and spatial information, amino acid conservation, physicochemical variation, residue mobility, and thermodynamic stability) indicates that this missense variant is not expected to disrupt DICER1 protein function with a negative predictive value of 95%. In summary, the available evidence is currently insufficient to determine the role of this variant in disease. Therefore, it has been classified as a Variant of Uncertain Significance.

NM_177438.3(DICER1):c.2609C>T (p.Thr870Ile)

Gene: DICER1 (dicer 1, ribonuclease III; minus strand). Cytogenetic location: 14q32.13.
Variant type: single nucleotide variant.
Coding change: c.2609C>T on transcript NM_177438.3 (MANE Select); coding-DNA position 2609, C replaced by T.
Protein change: p.Thr870Ile; replaces threonine 870 with isoleucine.
Molecular consequence: missense variant. On other transcripts: non-coding transcript variant (6).
Genome position (GRCh38, 1-based): chr14:95,107,921, G>A on the plus strand (C>T on the coding strand, the complement: DICER1 is on the minus strand). VCF-style: chr14-95107921-G-A. GRCh37 (hg19) VCF-style: chr14-95574258-G-A.
Other names: c.2609C>T, p.Thr870Ile (NM_001195573.1, NM_001271282.3, NM_001291628.2 and 13 more transcripts); c.2327C>T, p.Thr776Ile (NM_001395686.1); c.2204C>T, p.Thr735Ile (NM_001395687.1, NM_001395688.1, NM_001395689.1 and 2 more transcripts); c.2042C>T, p.Thr681Ile (NM_001395691.1); c.926C>T, p.Thr309Ile (NM_001395697.1); short protein forms T735I, T870I, T776I, T309I, T681I.
Identifiers: ClinVar variation 1925370 (VCV001925370.5), dbSNP rs2542838728, ClinGen allele CA390881370.
Genomic context (GRCh38, chr14:95,107,921, plus strand): 5'-TAAGAGATTTTTTTCTTACCAACATTAAGAGGTAGAACACAGTATGCTGAATCAGCGTCT[G>A]TAGGTTTAAATTCTAGTGCAGGTTTTTCAAGCCGAAGAATATGTGAGAATATATACTGGT-3'
Protein context (NP_803187.1, residues 860-880): LEKPALEFKP[Thr870Ile]DADSAYCVLP